The following is an entry in ClinVar:

ClinVar aggregate classification (germline): Benign (1 of 4 stars; one submission).

Allele frequency attached by ClinVar (database versions not stated): TOPMed 0.00002; gnomAD exomes 0.00003 and 0.00004; ExAC 0.00006; gnomAD 0.00009 and 0.00010; 1000 Genomes Project 0.00020; 1000 Genomes Project 30x 0.00031.
gnomAD v4.1: 52 of 1,614,008 alleles (0.0032%); highest among the groups gnomAD compares: Non-Finnish European, 0.004%; no homozygotes.

Submission:

Labcorp Genetics (formerly Invitae), Labcorp
Classification: Benign. Last evaluated: 2024-11-19. Review status: criteria provided, single submitter. Criteria: Invitae Variant Classification Sherloc (09022015). Collection method: clinical testing. Allele origin: germline.

NM_014225.6(PPP2R1A):c.1662-3C>T

Gene: PPP2R1A (protein phosphatase 2 scaffold subunit Aalpha; plus strand). Cytogenetic location: 19q13.41.
Variant type: single nucleotide variant.
Coding change: c.1662-3C>T on transcript NM_014225.6 (MANE Select); 3 bases into the intron before coding-DNA position 1662, C replaced by T.
Molecular consequence: intron variant.
Genome position (GRCh38, 1-based): chr19:52,225,714, C>T. VCF-style: chr19-52225714-C-T. GRCh37 (hg19) VCF-style: chr19-52728967-C-T.
Other names: c.1125-3C>T (NM_001363656.2).
Identifiers: ClinVar variation 1600330 (VCV001600330.9), dbSNP rs572638720, ClinGen allele CA9621661.